The following is an entry in ClinVar:

ClinVar aggregate classification (germline): Benign/Likely benign. Review status: criteria provided, multiple submitters, no conflicts (2 of 4 stars). 3 submissions from 3 submitters: Benign (1); Likely benign (1). 1 of the submissions does not count toward it. Last evaluated 2025-09-20.

Conditions:
SAMD9-related disorder. Also called: SAMD9-related condition.

Allele frequency attached by ClinVar (database versions not stated): gnomAD 0.00009; TOPMed 0.00010; ExAC 0.00016.
gnomAD v4.1: 80 of 1,613,396 alleles (0.005%); highest among the groups gnomAD compares: East Asian, 0.18%; 1 homozygote.

Submissions (3):

Labcorp Genetics (formerly Invitae), Labcorp
Classification: Benign. Last evaluated: 2025-09-20. Review status: criteria provided, single submitter. Criteria: Invitae Variant Classification Sherloc (09022015). Collection method: clinical testing. Allele origin: germline.

Blueprint Genetics
Classification: Likely benign. Last evaluated: 2023-08-17. Review status: criteria provided, single submitter. Criteria: ACMG Guidelines, 2015. Collection method: clinical testing. Allele origin: germline.

PreventionGenetics, part of Exact Sciences
Classification: Likely benign for SAMD9-related condition. Last evaluated: 2023-07-07. Review status: no assertion criteria provided. Collection method: clinical testing. Allele origin: germline. Not counted in ClinVar's aggregate classification.
Comment: This variant is classified as likely benign based on ACMG/AMP sequence variant interpretation guidelines (Richards et al. 2015 PMID: 25741868, with internal and published modifications).

NM_017654.4(SAMD9):c.2855G>C (p.Gly952Ala)

Gene: SAMD9 (sterile alpha motif domain containing 9; minus strand). Cytogenetic location: 7q21.2.
Variant type: single nucleotide variant.
Coding change: c.2855G>C on transcript NM_017654.4 (MANE Select); coding-DNA position 2855, G replaced by C.
Protein change: p.Gly952Ala; replaces glycine 952 with alanine.
Molecular consequence: missense variant.
Genome position (GRCh38, 1-based): chr7:93,103,243, C>G on the plus strand (G>C on the coding strand, the complement: SAMD9 is on the minus strand). VCF-style: chr7-93103243-C-G. GRCh37 (hg19) VCF-style: chr7-92732556-C-G.
Other names: c.2855G>C (NM_017654.3); c.2855G>C, p.Gly952Ala (NM_001193307.2); short protein forms G952A.
Identifiers: ClinVar variation 2057876 (VCV002057876.7), dbSNP rs760472475, ClinGen allele CA4342776.